The following is an entry in ClinVar:

ClinVar aggregate classification (germline): Uncertain significance (1 of 4 stars; one submission).

Submission:

GeneDx
Classification: Uncertain significance. Last evaluated: 2026-04-24. Review status: criteria provided, single submitter. Criteria: GeneDx Variant Classification Process June 2021. Collection method: clinical testing. Allele origin: germline.
Comment: Not observed at significant frequency in large population cohorts (gnomAD); In silico analysis supports that this missense variant has a deleterious effect on protein structure/function; Has not been previously published as pathogenic or benign to our knowledge

NM_001128840.3(CACNA1D):c.1294G>C (p.Glu432Gln)

Gene: CACNA1D (calcium voltage-gated channel subunit alpha1 D; plus strand). Cytogenetic location: 3p21.1.
Variant type: single nucleotide variant.
Coding change: c.1294G>C on transcript NM_001128840.3 (MANE Select); coding-DNA position 1294, G replaced by C.
Protein change: p.Glu432Gln; replaces glutamic acid 432 with glutamine.
Molecular consequence: missense variant.
Genome position (GRCh38, 1-based): chr3:53,702,714, G>C. VCF-style: chr3-53702714-G-C. GRCh37 (hg19) VCF-style: chr3-53736741-G-C.
Other names: c.1294G>C, p.Glu432Gln (NM_000720.4, NM_001128839.3); short protein forms E432Q.
Identifiers: ClinVar variation 5037652 (VCV005037652.1).
Genomic context (GRCh38, chr3:53,702,714, plus strand): 5'-GAAAGAGAGAAGGCAAAAGCACGGGGAGATTTCCAGAAGCTCCGGGAGAAGCAGCAGCTG[G>C]AGGAGGATCTAAAGGGCTACTTGGATTGGATCACCCAAGCTGAGGACATCGATCCGGAGA-3'
Protein context (NP_001122312.1, residues 422-442): FQKLREKQQL[Glu432Gln]EDLKGYLDWI